The following is an entry in ClinVar:

ClinVar aggregate classification (germline): Uncertain significance (1 of 4 stars; one submission).

Conditions:
Left ventricular noncompaction 8 (LVNC8). Identifiers: Orphanet 154, Orphanet 54260, MedGen C3809288, MONDO:0014152, OMIM 615373.

Submission:

Labcorp Genetics (formerly Invitae), Labcorp
Classification: Uncertain significance for Left ventricular noncompaction 8. Last evaluated: 2024-03-01. Review status: criteria provided, single submitter. Criteria: Invitae Variant Classification Sherloc (09022015). Collection method: clinical testing. Allele origin: germline.
Comment: This sequence change replaces aspartic acid, which is acidic and polar, with asparagine, which is neutral and polar, at codon 1097 of the PRDM16 protein (p.Asp1097Asn). This variant is not present in population databases (gnomAD no frequency). This variant has not been reported in the literature in individuals affected with PRDM16-related conditions. An algorithm developed to predict the effect of missense changes on protein structure and function (PolyPhen-2) suggests that this variant is likely to be tolerated. In summary, the available evidence is currently insufficient to determine the role of this variant in disease. Therefore, it has been classified as a Variant of Uncertain Significance.

NM_022114.4(PRDM16):c.3289G>A (p.Asp1097Asn)

Gene: PRDM16 (PR/SET domain 16; plus strand). Cytogenetic location: 1p36.32.
Variant type: single nucleotide variant.
Coding change: c.3289G>A on transcript NM_022114.4 (MANE Select); coding-DNA position 3289, G replaced by A.
Protein change: p.Asp1097Asn; replaces aspartic acid 1097 with asparagine.
Molecular consequence: missense variant.
Genome position (GRCh38, 1-based): chr1:3,430,876, G>A. VCF-style: chr1-3430876-G-A. GRCh37 (hg19) VCF-style: chr1-3347440-G-A.
Other names: c.3289G>A, p.Asp1097Asn (NM_199454.3); short protein forms D1097N.
Identifiers: ClinVar variation 3672203 (VCV003672203.2).